The following is an entry in ClinVar:

ClinVar aggregate classification (germline): Uncertain significance (1 of 4 stars; one submission).

Conditions:
Norman-Roberts syndrome (LIS2). Also called: Lissencephaly 2 (Norman-Roberts type). Identifiers: Orphanet 89844, MedGen C0796089, MONDO:0009760, OMIM 257320.
Familial temporal lobe epilepsy 7. Identifiers: Orphanet 101046, MedGen C4225327, MONDO:0014639, OMIM 616436.

Submission:

Labcorp Genetics (formerly Invitae), Labcorp
Classification: Uncertain significance for Familial temporal lobe epilepsy 7; Norman-Roberts syndrome. Last evaluated: 2023-06-11. Review status: criteria provided, single submitter. Criteria: Invitae Variant Classification Sherloc (09022015). Collection method: clinical testing. Allele origin: germline.
Comment: In summary, the available evidence is currently insufficient to determine the role of this variant in disease. Therefore, it has been classified as a Variant of Uncertain Significance. Advanced modeling of protein sequence and biophysical properties (such as structural, functional, and spatial information, amino acid conservation, physicochemical variation, residue mobility, and thermodynamic stability) performed at Invitae indicates that this missense variant is not expected to disrupt RELN protein function. This variant has not been reported in the literature in individuals affected with RELN-related conditions. This variant is not present in population databases (gnomAD no frequency). This sequence change replaces serine, which is neutral and polar, with cysteine, which is neutral and slightly polar, at codon 1324 of the RELN protein (p.Ser1324Cys).

NM_005045.4(RELN):c.3971C>G (p.Ser1324Cys)

Gene: RELN (reelin; minus strand). Cytogenetic location: 7q22.1.
Variant type: single nucleotide variant.
Coding change: c.3971C>G on transcript NM_005045.4 (MANE Select); coding-DNA position 3971, C replaced by G.
Protein change: p.Ser1324Cys; replaces serine 1324 with cysteine.
Molecular consequence: missense variant.
Genome position (GRCh38, 1-based): chr7:103,589,770, G>C on the plus strand (C>G on the coding strand, the complement: RELN is on the minus strand). VCF-style: chr7-103589770-G-C. GRCh37 (hg19) VCF-style: chr7-103230217-G-C.
Other names: c.3971C>G, p.Ser1324Cys (NM_173054.3); short protein forms S1324C.
Identifiers: ClinVar variation 2937718 (VCV002937718.3), dbSNP rs2484785108, ClinGen allele CA368756302.